The following is an entry in ClinVar:

NM_005363.5(MAGEA6):c.827G>A (p.Arg276Lys)

Gene: MAGEA6 (MAGE family member A6). Cytogenetic location: Xq28.
Variant type: single nucleotide variant.
Coding change: c.827G>A on transcript NM_005363.5 (MANE Select); coding-DNA position 827, G replaced by A.
Protein change: p.Arg276Lys; replaces arginine 276 with lysine.
Molecular consequence: missense variant.
Genome position (GRCh38, 1-based): chrX:152,766,824, C>T on the plus strand (G>A on the coding strand, the complement: MAGEA6 is on the minus strand). VCF-style: chrX-152766824-C-T. GRCh37 (hg19) VCF-style: chrX-151870137-G-A.
Other names: c.827G>A, p.Arg276Lys (NM_175868.4); short protein forms R276K.
Identifiers: ClinVar variation 4548887 (VCV004548887.1).

ClinVar aggregate classification (germline): Uncertain significance (1 of 4 stars; one submission).

Submission:

Ambry Genetics
Classification: Uncertain significance. Last evaluated: 2025-10-29. Review status: criteria provided, single submitter. Criteria: Ambry Variant Classification Scheme 2023. Collection method: clinical testing. Allele origin: germline.
Comment: The c.827G>A (p.R276K) alteration is located in exon 3 (coding exon 1) of the MAGEA6 gene. This alteration results from a G to A substitution at nucleotide position 827, causing the arginine (R) at amino acid position 276 to be replaced by a lysine (K). Based on data from gnomAD, the A allele has an overall frequency of 0.001% (2/205234) total alleles studied. The highest observed frequency was 0.002% (2/92650) of European (non-Finnish) alleles. Based on insufficient or conflicting evidence, the clinical significance of this alteration remains unclear.